The following is an entry in ClinVar:

NM_012431.3(SEMA3E):c.233T>C (p.Val78Ala)

Gene: SEMA3E (semaphorin 3E; minus strand). Cytogenetic location: 7q21.11.
Variant type: single nucleotide variant.
Coding change: c.233T>C on transcript NM_012431.3 (MANE Select); coding-DNA position 233, T replaced by C.
Protein change: p.Val78Ala; replaces valine 78 with alanine.
Molecular consequence: missense variant.
Genome position (GRCh38, 1-based): chr7:83,490,157, A>G on the plus strand (T>C on the coding strand, the complement: SEMA3E is on the minus strand). VCF-style: chr7-83490157-A-G. GRCh37 (hg19) VCF-style: chr7-83119473-A-G.
Other names: c.53T>C, p.Val18Ala (NM_001178129.2); c.233T>C (NM_012431.2); short protein forms V18A, V78A.
Identifiers: ClinVar variation 1386686 (VCV001386686.9), dbSNP rs765517064, ClinGen allele CA4322419.

ClinVar aggregate classification (germline): Uncertain significance. Review status: criteria provided, multiple submitters, no conflicts (2 of 4 stars). 3 submissions from 3 submitters: Uncertain significance (3). Last evaluated 2023-10-13.

Conditions:
Hypogonadotropic hypogonadism 7 with or without anosmia (HH7). Also called: GNRHR-Related GnRH Deficiency; HYPOGONADOTROPIC HYPOGONADISM 7 WITHOUT ANOSMIA. Identifiers: Orphanet 432, MedGen C0342384, MONDO:0007794, OMIM 146110.
CHARGE syndrome (CHARGE). Also called: Hittner Hirsch Kreh syndrome; CHARGE ASSOCIATION--COLOBOMA, HEART ANOMALY, CHOANAL ATRESIA, RETARDATION, GENITAL AND EAR ANOMALIES; Coloboma, heart anomaly, choanal atresia, retardation, genital and ear anomalies; CHARGE association; Hall-Hittner syndrome. Identifiers: Orphanet 138, MedGen C0265354, MONDO:0008965.

Allele frequency attached by ClinVar (database versions not stated): gnomAD exomes below 0.00001 and 0.00001; ExAC 0.00001; gnomAD 0.00001; TOPMed 0.00002.

Submissions (3):

Labcorp Genetics (formerly Invitae), Labcorp
Classification: Uncertain significance for CHARGE syndrome. Last evaluated: 2023-10-13. Review status: criteria provided, single submitter. Criteria: Invitae Variant Classification Sherloc (09022015). Collection method: clinical testing. Allele origin: germline.
Comment: This sequence change replaces valine, which is neutral and non-polar, with alanine, which is neutral and non-polar, at codon 78 of the SEMA3E protein (p.Val78Ala). This variant is present in population databases (rs765517064, gnomAD 0.003%). This variant has not been reported in the literature in individuals affected with SEMA3E-related conditions. ClinVar contains an entry for this variant (Variation ID: 1386686). Advanced modeling of protein sequence and biophysical properties (such as structural, functional, and spatial information, amino acid conservation, physicochemical variation, residue mobility, and thermodynamic stability) performed at Invitae indicates that this missense variant is not expected to disrupt SEMA3E protein function. In summary, the available evidence is currently insufficient to determine the role of this variant in disease. Therefore, it has been classified as a Variant of Uncertain Significance.

Ambry Genetics
Classification: Uncertain significance. Last evaluated: 2022-09-06. Review status: criteria provided, single submitter. Criteria: Ambry Variant Classification Scheme 2023. Collection method: clinical testing. Allele origin: germline.

Fulgent Genetics
Classification: Uncertain significance for Hypogonadotropic hypogonadism 7 with or without anosmia; CHD7-related CHARGE syndrome. Last evaluated: 2022-02-16. Review status: criteria provided, single submitter. Criteria: ACMG Guidelines, 2015. Collection method: clinical testing. Allele origin: unknown.